The following is an entry in ClinVar:

NM_000059.4(BRCA2):c.2533C>A (p.Pro845Thr)

Gene: BRCA2 (BRCA2 DNA repair associated; plus strand). Cytogenetic location: 13q13.1.
Variant type: single nucleotide variant.
Coding change: c.2533C>A on transcript NM_000059.4 (MANE Select); coding-DNA position 2533, C replaced by A.
Protein change: p.Pro845Thr; replaces proline 845 with threonine.
Molecular consequence: missense variant. On other transcripts: non-coding transcript variant (1), intron variant (2).
Genome position (GRCh38, 1-based): chr13:32,336,888, C>A. VCF-style: chr13-32336888-C-A. GRCh37 (hg19) VCF-style: chr13-32911025-C-A.
Other names: c.2533C>A, p.Pro845Thr (NM_001406719.1, NM_001406720.1, NM_001432077.1); c.1909+3501C>A (NM_001406721.1); c.424+5858C>A (NM_001406722.1); short protein forms P845T.
Identifiers: ClinVar variation 5033298 (VCV005033298.1).

ClinVar aggregate classification (germline): Uncertain significance (1 of 4 stars; one submission).

Conditions:
Hereditary cancer-predisposing syndrome. Also called: Neoplastic Syndromes, Hereditary; Tumor predisposition; Hereditary neoplastic syndrome; Hereditary Cancer Syndrome. Identifiers: Orphanet 140162, MedGen C0027672, MeSH D009386, MONDO:0015356.

Submission:

Ambry Genetics
Classification: Uncertain significance for Hereditary cancer-predisposing syndrome. Last evaluated: 2026-07-07. Review status: criteria provided, single submitter. Criteria: Ambry Variant Classification Scheme 2023. Collection method: clinical testing. Allele origin: germline.
Comment: The p.P845T variant (also known as c.2533C>A), located in coding exon 10 of the BRCA2 gene, results from a C to A substitution at nucleotide position 2533. The proline at codon 845 is replaced by threonine, an amino acid with highly similar properties. This amino acid position is conserved. In addition, this alteration is predicted to be tolerated by in silico analysis. Based on the available evidence, the clinical significance of this variant remains unclear.